The following is an entry in ClinVar:

ClinVar aggregate classification (germline): Uncertain significance. Review status: criteria provided, multiple submitters, no conflicts (2 of 4 stars). 3 submissions from 3 submitters: Uncertain significance (3). Last evaluated 2023-11-27.

Conditions:
Inborn genetic diseases. Identifiers: MedGen C0950123, MeSH D030342.
Proximal myopathy with extrapyramidal signs. Also called: Myopathy with extrapyramidal signs. Identifiers: Orphanet 401768, MedGen C3810285, MONDO:0014300, OMIM 615673.

Allele frequency attached by ClinVar (database versions not stated): gnomAD exomes 0.00002; ExAC 0.00005.
gnomAD v4.1: 22 of 1,612,316 alleles (0.0014%); highest among the groups gnomAD compares: South Asian, 0.0077%; no homozygotes.

Submissions (3):

Ambry Genetics
Classification: Uncertain significance for Inborn genetic diseases. Last evaluated: 2023-11-27. Review status: criteria provided, single submitter. Criteria: Ambry Variant Classification Scheme 2023. Collection method: clinical testing. Allele origin: germline.

Labcorp Genetics (formerly Invitae), Labcorp
Classification: Uncertain significance. Last evaluated: 2023-10-13. Review status: criteria provided, single submitter. Criteria: Invitae Variant Classification Sherloc (09022015). Collection method: clinical testing. Allele origin: germline.
Comment: This sequence change replaces arginine, which is basic and polar, with tryptophan, which is neutral and slightly polar, at codon 30 of the MICU1 protein (p.Arg30Trp). The frequency data for this variant in the population databases is considered unreliable, as metrics indicate poor data quality at this position in the gnomAD database. This variant has not been reported in the literature in individuals affected with MICU1-related conditions. ClinVar contains an entry for this variant (Variation ID: 2074118). Experimental studies and prediction algorithms are not available or were not evaluated, and the functional significance of this variant is currently unknown. In summary, the available evidence is currently insufficient to determine the role of this variant in disease. Therefore, it has been classified as a Variant of Uncertain Significance.

Neuberg Centre For Genomic Medicine, NCGM
Classification: Uncertain significance for Proximal myopathy with extrapyramidal signs. Review status: criteria provided, single submitter. Criteria: ACMG Guidelines, 2015. Collection method: clinical testing. Allele origin: germline. Inheritance: Autosomal recessive inheritance. Affected: yes.
Comment: The missense variant c.367G>Ap.Gly123Arg in ALG12 gene has been reported in homozygous state in pateint affected with Congenital disorder of glycosylation, type Ig Nicotera et. al., 2021. The p.Gly123Arg variant is novel not in any individuals in gnomAD Exomes and 1000 Genomes. This variant has been reported to the ClinVar database as Uncertain Significance / Likely Pathogenic. The amino acid change p.Gly123Arg in ALG12 is predicted as conserved by GERP++ and PhyloP across 100 vertebrates. The amino acid Gly at position 123 is changed to a Arg changing protein sequence and it might alter its composition and physicochemical properties. For these reasons, this variant has been classified as Uncertain Significance VUS.

NM_001195518.2(MICU1):c.88C>T (p.Arg30Trp)

Gene: MICU1 (mitochondrial calcium uptake 1; minus strand). Cytogenetic location: 10q22.1.
Variant type: single nucleotide variant.
Coding change: c.88C>T on transcript NM_001195518.2 (MANE Select); coding-DNA position 88, C replaced by T.
Protein change: p.Arg30Trp; replaces arginine 30 with tryptophan.
Molecular consequence: missense variant.
Genome position (GRCh38, 1-based): chr10:72,566,706, G>A on the plus strand (C>T on the coding strand, the complement: MICU1 is on the minus strand). VCF-style: chr10-72566706-G-A. GRCh37 (hg19) VCF-style: chr10-74326464-G-A.
Other names: c.88C>T, p.Arg30Trp (NM_001363513.2, NM_006077.4); c.88C>T (NM_006077.3); short protein forms R30W.
Identifiers: ClinVar variation 2074118 (VCV002074118.5), dbSNP rs762856737, ClinGen allele CA5550353.
Genomic context (GRCh38, chr10:72,566,706, plus strand): 5'-GACCAGTACTTGCAGTTACTGCAGATGCTCCCAGGAAAGCCACCATCATTAGTCTTCGCC[G>A]GATCTGGATGGGCTGTGATCCTCCATGGTACCATCGAGAACCCACAGCCAGTTCTGCCAA-3'
Protein context (NP_001182447.1, residues 20-40): YHGGSQPIQI[Arg30Trp]RRLMMVAFLG